The following is an entry in ClinVar:

NM_001042492.3(NF1):c.7582del (p.Gln2528fs)

Gene: NF1 (neurofibromin 1; plus strand). Cytogenetic location: 17q11.2.
Variant type: Deletion.
Coding change: c.7582del on transcript NM_001042492.3 (MANE Select); coding-DNA position 7582, one base deleted (C; older notation c.7582delC).
Protein change: p.Gln2528fs; shifts the reading frame from glutamine 2528.
Molecular consequence: frameshift variant.
Genome position (GRCh38, 1-based): chr17:31,352,381, C deleted. VCF-style (leftmost placement, unchanged base first): chr17-31352380-GC-G. GRCh37 (hg19) VCF-style: chr17-29679398-GC-G.
Other names: c.7519delC, p.Gln2507Asnfs (NM_000267.4); short protein forms Q2528fs, Q2507fs.
Identifiers: ClinVar variation 2138004 (VCV002138004.4), dbSNP rs2508812125, ClinGen allele CA2580093423.

ClinVar aggregate classification (germline): Pathogenic (1 of 4 stars; one submission).

Conditions:
Neurofibromatosis, type 1 (NF1). Also called: Peripheral type neurofibromatosis; VON RECKLINGHAUSEN DISEASE; NEUROFIBROMATOSIS, TYPE I, SOMATIC; Neurofibromatosis, type I. Identifiers: Orphanet 636, MedGen C0027831, MONDO:0018975, OMIM 162200. Disease mechanism: loss of function.

Submission:

Labcorp Genetics (formerly Invitae), Labcorp
Classification: Pathogenic for Neurofibromatosis, type 1. Last evaluated: 2022-05-28. Review status: criteria provided, single submitter. Criteria: Invitae Variant Classification Sherloc (09022015). Collection method: clinical testing. Allele origin: germline.
Comment: This sequence change creates a premature translational stop signal (p.Gln2507Asnfs*20) in the NF1 gene. It is expected to result in an absent or disrupted protein product. Loss-of-function variants in NF1 are known to be pathogenic (PMID: 10712197, 23913538). This variant is not present in population databases (gnomAD no frequency). This premature translational stop signal has been observed in individual(s) with clinical features of neurofibromatosis type I (PMID: 31370276). For these reasons, this variant has been classified as Pathogenic.

Literature cited by the submitters: PubMed 10712197; PubMed 23913538; PubMed 31370276.